The following is an entry in ClinVar:

NM_004187.5(KDM5C):c.1951A>G (p.Met651Val)

Gene: KDM5C (lysine demethylase 5C; minus strand). Cytogenetic location: Xp11.22.
Variant type: single nucleotide variant.
Coding change: c.1951A>G on transcript NM_004187.5 (MANE Select); coding-DNA position 1951, A replaced by G.
Protein change: p.Met651Val; replaces methionine 651 with valine.
Molecular consequence: missense variant. On other transcripts: non-coding transcript variant (3).
Genome position (GRCh38, 1-based): chrX:53,201,660, T>C on the plus strand (A>G on the coding strand, the complement: KDM5C is on the minus strand). VCF-style: chrX-53201660-T-C. GRCh37 (hg19) VCF-style: chrX-53230842-T-C.
Other names: c.1750A>G, p.Met584Val (NM_001146702.2); c.1948A>G, p.Met650Val (NM_001282622.3, NM_001353979.2, NM_001353982.2); c.1951A>G, p.Met651Val (NM_001353978.3, NM_001353981.2, NM_001353984.2); short protein forms M584V, M650V, M651V.
Identifiers: ClinVar variation 2573518 (VCV002573518.2), dbSNP rs2519438486, ClinGen allele CA413123387.

ClinVar aggregate classification (germline): Uncertain significance. Review status: criteria provided, multiple submitters, no conflicts (2 of 4 stars). 2 submissions from 2 submitters: Uncertain significance (2). Last evaluated 2024-11-07.

Conditions:
Inborn genetic diseases. Identifiers: MedGen C0950123, MeSH D030342.

Allele frequency attached by ClinVar (database versions not stated): gnomAD exomes below 0.00001.
gnomAD v4.1: 1 of 1,212,137 alleles (0.000082%); highest among the groups gnomAD compares: Non-Finnish European, 0.00011%; no homozygotes.

Submissions (2):

Ambry Genetics
Classification: Uncertain significance for Inborn genetic diseases. Last evaluated: 2024-11-07. Review status: criteria provided, single submitter. Criteria: Ambry Variant Classification Scheme 2023. Collection method: clinical testing. Allele origin: germline.

Women's Health and Genetics/Laboratory Corporation of America, LabCorp
Classification: Uncertain significance. Last evaluated: 2023-06-19. Review status: criteria provided, single submitter. Criteria: LabCorp Variant Classification Summary - May 2015. Collection method: clinical testing. Allele origin: germline.
Comment: Variant summary: KDM5C c.1951A>G (p.Met651Val) results in a conservative amino acid change in the encoded protein sequence. Four of five in-silico tools predict a benign effect of the variant on protein function. The variant was absent in 183347 control chromosomes in GnomAD. The available data on variant occurrences in the general population are insufficient to allow any conclusion about variant significance. To our knowledge, no occurrence of c.1951A>G in individuals affected with X-Linked Syndromic Mental Retardation, Claes-Jensen Type, and no experimental evidence demonstrating its impact on protein function have been reported. No clinical diagnostic laboratories have submitted clinical-significance assessments for this variant to ClinVar after 2014. Based on the evidence outlined above, the variant was classified as uncertain significance.